The following is an entry in ClinVar:

NM_003906.5(MCM3AP):c.5821G>C (p.Ala1941Pro)

Genes: MCM3AP (minichromosome maintenance complex component 3 associated protein; minus strand), MCM3AP-AS1 (MCM3AP antisense RNA 1; plus strand). Cytogenetic location: 21q22.3.
Variant type: single nucleotide variant.
Coding change: c.5821G>C on transcript NM_003906.5 (MANE Select); coding-DNA position 5821, G replaced by C.
Protein change: p.Ala1941Pro; replaces alanine 1941 with proline.
Molecular consequence: missense variant.
Genome position (GRCh38, 1-based): chr21:46,235,390, C>G on the plus strand (G>C on the coding strand, the complement: MCM3AP is on the minus strand). VCF-style: chr21-46235390-C-G. GRCh37 (hg19) VCF-style: chr21-47655304-C-G.
Other names: short protein forms A1941P.
Identifiers: ClinVar variation 3618919 (VCV003618919.2).

ClinVar aggregate classification (germline): Uncertain significance (1 of 4 stars; one submission).

gnomAD v4.1: 12 of 1,613,958 alleles (0.00074%); highest among the groups gnomAD compares: Non-Finnish European, 0.001%; no homozygotes.

Submission:

Labcorp Genetics (formerly Invitae), Labcorp
Classification: Uncertain significance. Last evaluated: 2024-10-08. Review status: criteria provided, single submitter. Criteria: Invitae Variant Classification Sherloc (09022015). Collection method: clinical testing. Allele origin: germline.
Comment: This sequence change replaces alanine, which is neutral and non-polar, with proline, which is neutral and non-polar, at codon 1941 of the MCM3AP protein (p.Ala1941Pro). This variant is not present in population databases (gnomAD no frequency). This variant has not been reported in the literature in individuals affected with MCM3AP-related conditions. An algorithm developed to predict the effect of missense changes on protein structure and function (PolyPhen-2) suggests that this variant is likely to be tolerated. In summary, the available evidence is currently insufficient to determine the role of this variant in disease. Therefore, it has been classified as a Variant of Uncertain Significance.